The following is an entry in ClinVar:

ClinVar aggregate classification (germline): Uncertain significance (1 of 4 stars; one submission).

Conditions:
Hereditary cancer-predisposing syndrome. Also called: Hereditary Cancer Syndrome; Hereditary neoplastic syndrome; Neoplastic Syndromes, Hereditary; Tumor predisposition. Identifiers: Orphanet 140162, MedGen C0027672, MeSH D009386, MONDO:0015356.

Submission:

Ambry Genetics
Classification: Uncertain significance for Hereditary cancer-predisposing syndrome. Last evaluated: 2026-08-18. Review status: criteria provided, single submitter. Criteria: Ambry Variant Classification Scheme 2023. Collection method: clinical testing. Allele origin: germline.
Comment: The p.C115Y variant (also known as c.344G>A), located in coding exon 4 of the PMS2 gene, results from a G to A substitution at nucleotide position 344. The cysteine at codon 115 is replaced by tyrosine, an amino acid with highly dissimilar properties. This amino acid position is highly conserved in available vertebrate species. In addition, this alteration is predicted to be deleterious by in silico analysis. Based on the available evidence, the clinical significance of this variant remains unclear.

NM_000535.7(PMS2):c.344G>A (p.Cys115Tyr)

Gene: PMS2 (PMS1 homolog 2, mismatch repair system component; minus strand). Cytogenetic location: 7p22.1.
Variant type: single nucleotide variant.
Coding change: c.344G>A on transcript NM_000535.7 (MANE Select); coding-DNA position 344, G replaced by A.
Protein change: p.Cys115Tyr; replaces cysteine 115 with tyrosine.
Molecular consequence: missense variant. On other transcripts: 5 prime UTR variant (9), non-coding transcript variant (1), intron variant (2).
Genome position (GRCh38, 1-based): chr7:6,003,699, C>T on the plus strand (G>A on the coding strand, the complement: PMS2 is on the minus strand). VCF-style: chr7-6003699-C-T. GRCh37 (hg19) VCF-style: chr7-6043330-C-T.
Other names: c.-62G>A (NM_001018040.1, NM_001322003.2, NM_001322004.2 and 14 more transcripts); c.344G>A, p.Cys115Tyr (NM_001322006.2, NM_001322014.2, NM_001406869.1 and 8 more transcripts); c.-541G>A (NM_001322011.2, NM_001322012.2); c.-141G>A (NM_001322015.2, NM_001406875.1, NM_001406877.1 and 3 more transcripts); c.530G>A, p.Cys177Tyr (NM_001406866.1); c.368G>A, p.Cys123Tyr (NM_001406868.1); c.35+273G>A (NM_001322008.2, NM_001322007.2); short protein forms C123Y, C177Y, C115Y.
Identifiers: ClinVar variation 1731547 (VCV001731547.3), dbSNP rs1263334638, ClinGen allele CA366744542.